The following is an entry in ClinVar:

NM_000126.4(ETFA):c.311_312del (p.Asn104fs)

Gene: ETFA (electron transfer flavoprotein subunit alpha; minus strand). Cytogenetic location: 15q24.2.
Variant type: Deletion.
Coding change: c.311_312del on transcript NM_000126.4 (MANE Select); coding-DNA positions 311 to 312, 2 bases deleted (AT; older notation c.311_312delAT).
Protein change: p.Asn104fs; shifts the reading frame from asparagine 104.
Molecular consequence: frameshift variant.
Genome position (GRCh38, 1-based): chr15:76,292,470-76,292,471, AT deleted on the plus strand (AT on the coding strand, the reverse complement: ETFA is on the minus strand). VCF-style (leftmost placement, unchanged base first): chr15-76292469-AAT-A. GRCh37 (hg19) VCF-style: chr15-76584810-AAT-A.
Other names: c.164_165del, p.Asn55fs (NM_001127716.2); short protein forms N104fs, N55fs.
Identifiers: ClinVar variation 2864511 (VCV002864511.3), dbSNP rs2543032272, ClinGen allele CA2739269616.

ClinVar aggregate classification (germline): Pathogenic (1 of 4 stars; one submission).

Conditions:
Multiple acyl-CoA dehydrogenase deficiency (MADD). Also called: Glutaric aciduria, type 2; Glutaric acidemia type II; GA 2; Glutaric Acidemia type 2; ETHYLMALONIC-ADIPICACIDURIA; GA II. Identifiers: Orphanet 26791, MedGen C0268596, MONDO:0009282, OMIM 231680.

Submission:

Labcorp Genetics (formerly Invitae), Labcorp
Classification: Pathogenic for Multiple acyl-CoA dehydrogenase deficiency. Last evaluated: 2023-05-22. Review status: criteria provided, single submitter. Criteria: Invitae Variant Classification Sherloc (09022015). Collection method: clinical testing. Allele origin: germline.
Comment: For these reasons, this variant has been classified as Pathogenic. This variant has not been reported in the literature in individuals affected with ETFA-related conditions. This variant is not present in population databases (gnomAD no frequency). This sequence change creates a premature translational stop signal (p.Asn104Ilefs*24) in the ETFA gene. It is expected to result in an absent or disrupted protein product. Loss-of-function variants in ETFA are known to be pathogenic (PMID: 16510302, 23785301).

Literature cited by the submitters: PubMed 16510302; PubMed 23785301.